The following is an entry in ClinVar:

NM_001126108.2(SLC12A3):c.1315G>A (p.Gly439Ser)

Gene: SLC12A3 (solute carrier family 12 member 3; plus strand). Cytogenetic location: 16q13.
Variant type: single nucleotide variant.
Coding change: c.1315G>A on transcript NM_001126108.2 (MANE Select); coding-DNA position 1315, G replaced by A.
Protein change: p.Gly439Ser; replaces glycine 439 with serine.
Molecular consequence: missense variant.
Genome position (GRCh38, 1-based): chr16:56,879,207, G>A. VCF-style: chr16-56879207-G-A. GRCh37 (hg19) VCF-style: chr16-56913119-G-A.
Other names: c.1315G>A, p.Gly439Ser (NM_000339.3); c.1312G>A, p.Gly438Ser (NM_001126107.2); short protein forms G439S, G438S.
Identifiers: ClinVar variation 586601 (VCV000586601.61), dbSNP rs759377924, ClinGen allele CA8069419.
Genomic context (GRCh38, chr16:56,879,207, plus strand): 5'-CTGGCCTGCAGCTATGGCTGGAACTTCACCGAGTGCACCCAGCAGCACAGCTGCCACTAC[G>A]GCCTCATCAACTATTACCAGGTACTGCCAGGAGAGCTGACCCACCAGACACAGTGGGGGC-3'
Protein context (NP_001119580.2, residues 429-449): ECTQQHSCHY[Gly439Ser]LINYYQTMSM

ClinVar aggregate classification (germline): Pathogenic. Review status: criteria provided, multiple submitters, no conflicts (2 of 4 stars). 22 submissions from 21 submitters: Pathogenic (19). 3 of the submissions do not count toward it. Last evaluated 2026-06-30.

Conditions:
Familial hypokalemia-hypomagnesemia (GTLMNS). Also called: HYPOMAGNESEMIA-HYPOKALEMIA, PRIMARY RENOTUBULAR, WITH HYPOCALCIURIA; POTASSIUM AND MAGNESIUM DEPLETION; gitelman syndrome. Identifiers: Orphanet 358, MedGen C0268450, MONDO:0009904, OMIM 263800.
Bartter syndrome. Identifiers: Orphanet 112, MedGen C0004775, MONDO:0015231.
SLC12A3-related disorder. Also called: SLC12A3-related condition.
Inborn genetic diseases. Identifiers: MedGen C0950123, MeSH D030342.
Familial aortopathy. Identifiers: MedGen CN078214.

Allele frequency attached by ClinVar (database versions not stated): gnomAD 0.00008 and 0.00009; gnomAD exomes 0.00008 and 0.00016; TOPMed 0.00012; ExAC 0.00023.

Submissions 1 to 11 of 22:

Institute of Human Genetics, University of Leipzig Medical Center
Classification: Pathogenic for Familial hypokalemia-hypomagnesemia. Last evaluated: 2026-06-30. Review status: criteria provided, single submitter. Criteria: ACMG Guidelines, 2015. Collection method: clinical testing. Allele origin: paternal. Inheritance: Autosomal recessive inheritance. Affected: yes.
Comment: Criteria applied: PS3_SUP,PM3_VSTR,PM5_SUP,PM2,PP3

CeGaT Center for Human Genetics Tuebingen
Classification: Pathogenic. Last evaluated: 2026-03-01. Review status: criteria provided, single submitter. Criteria: CeGaT Center For Human Genetics Tuebingen Variant Classification Criteria Version 2. Collection method: clinical testing. Allele origin: germline. Affected: yes. Observed: 2 variant alleles.
Comment: SLC12A3: PM3:Very Strong, PM2, PM5, PP4, PS3:Supporting

Labcorp Genetics (formerly Invitae), Labcorp
Classification: Pathogenic. Last evaluated: 2026-01-19. Review status: criteria provided, single submitter. Criteria: Invitae Variant Classification Sherloc (09022015). Collection method: clinical testing. Allele origin: germline.
Comment: This sequence change replaces glycine, which is neutral and non-polar, with serine, which is neutral and polar, at codon 439 of the SLC12A3 protein (p.Gly439Ser). This variant is present in population databases (rs759377924, gnomAD 0.03%). This missense change has been observed in individual(s) with Gitelman syndrome (PMID: 8900229, 17654016, 23475471, 25112827). In at least one individual the data is consistent with being in trans (on the opposite chromosome) from a pathogenic variant. ClinVar contains an entry for this variant (Variation ID: 586601). Invitae Evidence Modeling of protein sequence and biophysical properties (such as structural, functional, and spatial information, amino acid conservation, physicochemical variation, residue mobility, and thermodynamic stability) indicates that this missense variant is expected to disrupt SLC12A3 protein function with a positive predictive value of 95%. Experimental studies have shown that this missense change affects SLC12A3 function (PMID: 12039972). For these reasons, this variant has been classified as Pathogenic.

PreventionGenetics, part of Exact Sciences
Classification: Pathogenic for SLC12A3-related condition. Last evaluated: 2025-12-19. Review status: criteria provided, single submitter. Criteria: ACMG Guidelines, 2015. Collection method: clinical testing. Allele origin: germline.
Comment: The SLC12A3 c.1315G>A variant is predicted to result in the amino acid substitution p.Gly439Ser. This variant has been reported in the homozygous state or with a second SLC12A3 variant in individuals with Gitelman syndrome (see, for example: Mastroianni et al. 1996. PubMed ID: 8900229; Urbanová et al. 2006. PubMed ID: 17159356; Peng et al. 2017. PubMed ID: 28700713). Experimental studies indicate this variant impacts protein function (De Jong et al. 2002. PubMed ID: 12039972). This variant is reported in 0.030% of alleles in individuals of European (non-Finnish) descent in gnomAD. This variant is interpreted as pathogenic.

Natera, Inc.
Classification: Pathogenic for Gitelman syndrome. Last evaluated: 2025-07-08. Review status: criteria provided, single submitter. Criteria: Natera Variant Classification Schema (03/2026). Collection method: clinical testing. Allele origin: germline.
Comment: The c.1315G>A variant in SLC12A3 is a missense variant predicted to cause substitution of glycine to serine at amino acid 439. This variant is rare in the general population with a frequency below the threshold expected for the associated phenotype(s). This variant has been observed in one or more individuals affected with the associated recessive disease, as either homozygous or compound heterozygous with a second variant (PMID: 33532864, 32542819, 29398133). Computational prediction algorithms indicate this variant is likely to affect gene or protein function. Given the available evidence, this variant is classified as Pathogenic.

GeneDx
Classification: Pathogenic. Last evaluated: 2025-05-16. Review status: criteria provided, single submitter. Criteria: GeneDx Variant Classification Process June 2021. Collection method: clinical testing. Allele origin: germline. Affected: yes.
Comment: Published functional studies demonstrate a damaging effect due to an intracellular trafficking defect, with failure to reach the cell membrane (PMID: 12039972); In silico analysis supports that this missense variant has a deleterious effect on protein structure/function; This variant is associated with the following publications: (PMID: 17159356, 19451210, 19349556, 17654016, 24790334, 28700713, 28469853, 23475471, 8900229, 25112827, 26830254, 23328711, 18391953, 15102966, 10988270, 31672324, 26121437, 22241817, 22009145, 31398183, 31589614, 33348466, 35325889, 33532864, 12039972)

Blueprint Genetics
Classification: Pathogenic for SLC12A3-related disorders. Last evaluated: 2024-03-26. Review status: criteria provided, single submitter. Criteria: ACMG Guidelines, 2015. Collection method: clinical testing. Allele origin: germline. Affected: yes. Observed: 5 variant alleles.

Women's Health and Genetics/Laboratory Corporation of America, LabCorp
Classification: Pathogenic for Familial hypokalemia-hypomagnesemia. Last evaluated: 2024-03-13. Review status: criteria provided, single submitter. Criteria: LabCorp Variant Classification Summary - May 2015. Collection method: clinical testing. Allele origin: germline.
Comment: Variant summary: SLC12A3 c.1315G>A (p.Gly439Ser) results in a non-conservative amino acid change located in the Amino acid permease/ SLC12A domain (IPR004841) of the encoded protein sequence. Five of five in-silico tools predict a damaging effect of the variant on protein function. The variant allele was found at a frequency of 0.00016 in 250818 control chromosomes (gnomAD). c.1315G>A has been reported in the literature in multiple individuals affected with Gitelman syndrome (examples: Mastrojanni_1996, Horak_2005, and Fava_2007). These data indicate that the variant is very likely to be associated with disease. The following publications have been ascertained in the context of this evaluation (PMID: 8900229, 17654016, 16343108). ClinVar contains an entry for this variant (Variation ID: 586601). Based on the evidence outlined above, the variant was classified as pathogenic.

Women's Health and Genetics/Laboratory Corporation of America, LabCorp
Classification: Pathogenic for Familial aortopathy. Last evaluated: 2024-03-13. Review status: criteria provided, single submitter. Criteria: LabCorp Variant Classification Summary - May 2015. Collection method: clinical testing. Allele origin: germline.
Comment: Variant summary: MYLK c.1315G>A (p.Gly439Arg) results in a non-conservative amino acid change located in the Immunoglobulin subtype 2 domain (IPR003598) of the encoded protein sequence. Five of five in-silico tools predict a damaging effect of the variant on protein function. The variant allele was found at a frequency of 2.8e-05 in 248090 control chromosomes (gnomAD). The available data on variant occurrences in the general population are insufficient to allow any conclusion about variant significance. To our knowledge, no occurrence of c.1315G>A in individuals affected with Aortopathy and no experimental evidence demonstrating its impact on protein function have been reported. No clinical diagnostic laboratories have submitted clinical-significance assessments for this variant to ClinVar after 2014. Based on the evidence outlined above, the variant was classified as uncertain significance.

MVZ Medizinische Genetik Mainz
Classification: Pathogenic for Familial hypokalemia-hypomagnesemia. Last evaluated: 2023-07-05. Review status: criteria provided, single submitter. Criteria: UK Practice Guidelines For Variant Classification V4 01 2020. Collection method: clinical testing. Allele origin: germline. Inheritance: Autosomal recessive inheritance. Affected: yes. Observed: 1 variant allele.
Comment: ACMG Criteria: PM3_VSTR,PS3,PM5,PP3_MOD,PM2_SUP,PP4; Compound Heterozygote

Revvity Omics, Revvity
Classification: Pathogenic for Familial hypokalemia-hypomagnesemia. Last evaluated: 2022-06-29. Review status: criteria provided, single submitter. Criteria: ACMG Guidelines, 2015. Collection method: clinical testing. Allele origin: germline.